The following is an entry in ClinVar:

NM_001034853.2(RPGR):c.1810C>G (p.Gln604Glu)

Gene: RPGR (retinitis pigmentosa GTPase regulator; minus strand). Cytogenetic location: Xp11.4.
Variant type: single nucleotide variant.
Coding change: c.1810C>G on transcript NM_001034853.2 (MANE Select); coding-DNA position 1810, C replaced by G.
Protein change: p.Gln604Glu; replaces glutamine 604 with glutamic acid.
Molecular consequence: missense variant. On other transcripts: non-coding transcript variant (2), intron variant (5).
Genome position (GRCh38, 1-based): chrX:38,287,189, G>C on the plus strand (C>G on the coding strand, the complement: RPGR is on the minus strand). VCF-style: chrX-38287189-G-C. GRCh37 (hg19) VCF-style: chrX-38146442-G-C.
Other names: c.1810C>G, p.Gln604Glu (NM_000328.3); c.1807C>G, p.Gln603Glu (NM_001367245.1); c.1624C>G, p.Gln542Glu (NM_001367246.1); c.1569+3770C>G (NM_001367249.1, NM_001367250.1); c.1386+3770C>G (NM_001367251.1); c.1572+3770C>G (NM_001367247.1); c.1602+3770C>G (NM_001367248.1); short protein forms Q604E, Q542E, Q603E.
Identifiers: ClinVar variation 3634881 (VCV003634881.2).
Genomic context (GRCh38, chrX:38,287,189, plus strand): 5'-CTGTTTTCTCCTTTCTTCCTCCATGCACCTTCACATTTTCCTCATTTGCTTCTACCTCTT[G>C]CTCCTCTATTCCATTTCCTTTTGAATCCTCTGCTCCTTCCTTCTCCTCTGGGATCTCTGA-3'
Protein context (NP_001030025.1, residues 594-614): EDSKGNGIEE[Gln604Glu]EVEANEENVK

ClinVar aggregate classification (germline): Uncertain significance (1 of 4 stars; one submission).

Conditions:
Primary ciliary dyskinesia. Also called: Ciliary dyskinesia. Identifiers: Orphanet 244, MedGen C0008780, MONDO:0016575, HP:0012265.

Submission:

Labcorp Genetics (formerly Invitae), Labcorp
Classification: Uncertain significance for Primary ciliary dyskinesia. Last evaluated: 2024-04-25. Review status: criteria provided, single submitter. Criteria: Invitae Variant Classification Sherloc (09022015). Collection method: clinical testing. Allele origin: germline.
Comment: This sequence change replaces glutamine, which is neutral and polar, with glutamic acid, which is acidic and polar, at codon 604 of the RPGR protein (p.Gln604Glu). This variant is not present in population databases (gnomAD no frequency). This variant has not been reported in the literature in individuals affected with RPGR-related conditions. Advanced modeling of protein sequence and biophysical properties (such as structural, functional, and spatial information, amino acid conservation, physicochemical variation, residue mobility, and thermodynamic stability) performed at Invitae indicates that this missense variant is not expected to disrupt RPGR protein function with a negative predictive value of 95%. In summary, the available evidence is currently insufficient to determine the role of this variant in disease. Therefore, it has been classified as a Variant of Uncertain Significance.